The following is an entry in ClinVar:

ClinVar aggregate classification (germline): Likely pathogenic. Review status: criteria provided, multiple submitters, no conflicts (2 of 4 stars). 2 submissions from 2 submitters: Likely pathogenic (2). Last evaluated 2024-09-25.

Conditions:
Nicolaides-Baraitser syndrome (NCBRS). Also called: SMARCA2-Related Nicolaides-Baraitser Syndrome; Intellectual disability-sparse hair-brachydactyly syndrome. Identifiers: Orphanet 3051, MedGen C1303073, MONDO:0011053, OMIM 601358.

Submissions (2):

Equipe Genetique des Anomalies du Developpement, Université de Bourgogne
Classification: Likely pathogenic for Nicolaides-Baraitser syndrome. Last evaluated: 2024-09-25. Review status: criteria provided, single submitter. Criteria: ACMG Guidelines, 2015. Collection method: clinical testing. Allele origin: germline. Affected: yes.
Comment: Missense variants in SMARCA2 have been linked to Nicolaides-Baraitser syndrome (OMIM #601358) (PMID 32694869). This variant is not present in population database gnomAD (v4.1.0). This variant was reported as likely pathogenic once in ClinVar. It has not been reported in literature. In silico missense prediction scores are in favor of pathogenicity. Based on the evidence outlined above, the variant was classified as likely pathogenic.

Institute of Human Genetics, University of Leipzig Medical Center
Classification: Likely pathogenic for Nicolaides-Baraitser syndrome. Last evaluated: 2020-10-26. Review status: criteria provided, single submitter. Criteria: ACMG Guidelines, 2015. Collection method: clinical testing. Allele origin: de novo. Affected: yes.
Comment: This variant was identified as de novo (maternity and paternity confirmed).

Literature cited by the submitters: PubMed 32694869 (cited by Equipe Genetique des Anomalies du Developpement, Université de Bourgogne).

NM_003070.5(SMARCA2):c.3962C>T (p.Thr1321Met)

Gene: SMARCA2 (SWI/SNF related BAF chromatin remodeling complex subunit ATPase 2; plus strand). Cytogenetic location: 9p24.3.
Variant type: single nucleotide variant.
Coding change: c.3962C>T on transcript NM_003070.5 (MANE Select); coding-DNA position 3962, C replaced by T.
Protein change: p.Thr1321Met; replaces threonine 1321 with methionine.
Molecular consequence: missense variant.
Genome position (GRCh38, 1-based): chr9:2,123,918, C>T. VCF-style: chr9-2123918-C-T. GRCh37 (hg19) VCF-style: chr9-2123918-C-T.
Other names: c.3962C>T, p.Thr1321Met (NM_001289396.2, NM_139045.4); c.3788C>T, p.Thr1263Met (NM_001289397.2); short protein forms T1263M, T1321M.
Identifiers: ClinVar variation 1285425 (VCV001285425.3), dbSNP rs2130626814, ClinGen allele CA372790864.